The following is an entry in ClinVar:

NM_001243133.2(NLRP3):c.937A>G (p.Ile313Val)

Gene: NLRP3 (NLR family pyrin domain containing 3; plus strand). Cytogenetic location: 1q44.
Variant type: single nucleotide variant.
Coding change: c.937A>G on transcript NM_001243133.2 (MANE Select); coding-DNA position 937, A replaced by G.
Protein change: p.Ile313Val; replaces isoleucine 313 with valine.
Molecular consequence: missense variant.
Genome position (GRCh38, 1-based): chr1:247,424,386, A>G. VCF-style: chr1-247424386-A-G. GRCh37 (hg19) VCF-style: chr1-247587688-A-G.
Other names: c.937A>G, p.Ile313Val (NM_001079821.3, NM_001127461.3, NM_001127462.3 and 1 more transcripts); c.943A>G, p.Ile315Val (NM_004895.5); short protein forms I315V, I313V.
Identifiers: ClinVar variation 97989 (VCV000097989.44), dbSNP rs180177501, ClinGen allele CA281431.

ClinVar aggregate classification (germline): Conflicting classifications of pathogenicity. Review status: criteria provided, conflicting classifications (1 of 4 stars). 15 submissions from 13 submitters: Uncertain significance (7); Benign (3); Likely benign (2). 3 of the submissions do not count toward it. Last evaluated 2026-01-21.

Conditions:
Cryopyrin associated periodic syndrome (CAPS). Identifiers: Orphanet 208650, MedGen C2316212, MONDO:0016168.
Autoinflammatory syndrome. Identifiers: Orphanet 93665, MedGen C3890737, MONDO:0019751.
NLRP3-related disorder. Also called: NLRP3-related condition; NLRP3-Related Disorders.
Hearing loss, autosomal dominant 34, with or without inflammation. Also called: DEAFNESS, AUTOSOMAL DOMINANT 34, WITH OR WITHOUT INFLAMMATION. Identifiers: MedGen C4521680, MONDO:0033261, OMIM 617772.
Familial cold autoinflammatory syndrome 1 (FCAS1). Also called: Familial cold inflammatory syndrome 1; CRYOPYRIN-ASSOCIATED PERIODIC SYNDROME 1. Identifiers: Orphanet 47045, MedGen C4551895, MONDO:0007349, OMIM 120100.
Familial amyloid nephropathy with urticaria AND deafness (MWS). Also called: UDA SYNDROME; URTICARIA-DEAFNESS-AMYLOIDOSIS SYNDROME; MUCKLE-WELLS SYNDROME; Urticaria, deafness and amyloidosis; CRYOPYRIN-ASSOCIATED PERIODIC SYNDROME 2. Identifiers: Orphanet 575, MedGen C0268390, MONDO:0008633, OMIM 191900.
Chronic infantile neurological, cutaneous and articular syndrome (CINCA). Also called: Prieur Griscelli syndrome; CRYOPYRIN-ASSOCIATED PERIODIC SYNDROME 3; CINCA syndrome; CHRONIC NEUROLOGIC CUTANEOUS AND ARTICULAR SYNDROME. Identifiers: Orphanet 1451, MedGen C0409818, MONDO:0011776, OMIM 607115.
Keratitis fugax hereditaria. Also called: KERATOENDOTHELIITIS FUGAX HEREDITARIA. Identifiers: Orphanet 647815, MedGen C1835697, MONDO:0007849, OMIM 148200.
Inborn genetic diseases. Identifiers: MedGen C0950123, MeSH D030342.

Allele frequency attached by ClinVar (database versions not stated): TOPMed 0.00011; ExAC 0.00017; ESP Exome Variant Server 0.00023; gnomAD exomes 0.00023; gnomAD 0.00025.
gnomAD v4.1: 308 of 1,613,896 alleles (0.019%); highest among the groups gnomAD compares: Middle Eastern, 0.12%; no homozygotes.

Submissions (15):

PreventionGenetics, part of Exact Sciences
Classification: Uncertain significance for NLRP3-related condition. Last evaluated: 2026-01-21. Review status: criteria provided, single submitter. Criteria: ACMG Guidelines, 2015. Collection method: clinical testing. Allele origin: germline.
Comment: The NLRP3 c.943A>G variant is predicted to result in the amino acid substitution p.Ile315Val. This variant is also described as p.Ile313Val using legacy nomenclature. This variant was reported in an individual with cryopyrin-associated periodic syndrome (CAPS) and segregated with disease in the family (Cuisset et al. 2010. PubMed ID: 21109514). This variant was also reported in an individual with mevalonate kinase deficiency, however this individual also carried variants in the MVK gene (Rusmini et al. 2016. PubMed ID: 26386126). This variant is reported in 0.047% of alleles in individuals of European (Non-Finnish) descent in gnomAD. Although we suspect that this variant may be benign, at this time, the clinical significance of this variant is uncertain due to the absence of conclusive functional and genetic evidence.

Labcorp Genetics (formerly Invitae), Labcorp
Classification: Likely benign for Cryopyrin associated periodic syndrome. Last evaluated: 2026-01-05. Review status: criteria provided, single submitter. Criteria: Invitae Variant Classification Sherloc (09022015). Collection method: clinical testing. Allele origin: germline.

GeneDx
Classification: Uncertain significance. Last evaluated: 2025-12-09. Review status: criteria provided, single submitter. Criteria: GeneDx Variant Classification Process June 2021. Collection method: clinical testing. Allele origin: germline. Affected: yes.
Comment: Identified in additional patients with suspected CAPS or systemic auto-inflammatory disorders in published literature, although detailed clinical information is not available (PMID: 21109514, 26386126); In silico analysis suggests that this missense variant does not alter protein structure/function; Also known as p.(I313V); This variant is associated with the following publications: (PMID: 32082075, 32199921, 34426522, 28814775, 21109514, 26386126, 27191192, 19302049, 30476936, 39930093)

CeGaT Center for Human Genetics Tuebingen
Classification: Likely benign. Last evaluated: 2025-10-01. Review status: criteria provided, single submitter. Criteria: CeGaT Center For Human Genetics Tuebingen Variant Classification Criteria Version 2. Collection method: clinical testing. Allele origin: germline. Affected: yes. Observed: 1 variant allele.
Comment: NLRP3: BP4

ARUP Laboratories, Molecular Genetics and Genomics, ARUP Laboratories
Classification: Uncertain significance. Last evaluated: 2024-08-21. Review status: criteria provided, single submitter. Criteria: ARUP Molecular Germline Variant Investigation Process 2024. Collection method: clinical testing. Allele origin: germline.
Comment: The NLRP3 c.943A>G; p.Ile315Val variant (rs180177501; ClinVar ID: 97989), also known as Ile313Val, is reported in the medical literature in several individuals with cryopyrin-associated periodic syndrome (Cuisset 2011, Rusmini 2016). This variant is found in non-Finnish European population with an allele frequency of 0.047% (61/128,760 alleles) in the Genome Aggregation Database (v2.1.1). Computational analyses are uncertain whether this variant is neutral or deleterious (REVEL: 0.371). Given the lack of clinical and functional data, the significance of the variant is uncertain at this time. References: Cuisset L et al. Mutations in the autoinflammatory cryopyrin-associated periodic syndrome gene: epidemiological study and lessons from eight years of genetic analysis in France. Ann Rheum Dis. 2011 Mar;70(3):495-9. PMID: 21109514. Rusmini M et al. Next-generation sequencing and its initial applications for molecular diagnosis of systemic auto-inflammatory diseases. Ann Rheum Dis. 2016 Aug;75(8):1550-7. PMID: 26386126.

Fulgent Genetics
Classification: Uncertain significance for Familial cold autoinflammatory syndrome 1; Keratitis fugax hereditaria; Familial amyloid nephropathy with urticaria AND deafness; Chronic infantile neurological, cutaneous and articular syndrome; Hearing loss, autosomal dominant 34, with or without inflammation. Last evaluated: 2024-01-05. Review status: criteria provided, single submitter. Criteria: ACMG Guidelines, 2015. Collection method: clinical testing. Allele origin: germline.

Ambry Genetics
Classification: Uncertain significance for Inborn genetic diseases. Last evaluated: 2021-04-17. Review status: criteria provided, single submitter. Criteria: Ambry Variant Classification Scheme 2023. Collection method: clinical testing. Allele origin: germline.

Genome Diagnostics Laboratory, The Hospital for Sick Children
Classification: Uncertain significance for Autoinflammatory syndrome. Last evaluated: 2021-01-12. Review status: criteria provided, single submitter. Criteria: ACMG Guidelines, 2015. Collection method: clinical testing. Allele origin: germline. Affected: yes.

Laboratory for Molecular Medicine, Mass General Brigham Personalized Medicine
Classification: Uncertain significance. Last evaluated: 2018-09-13. Review status: criteria provided, single submitter. Criteria: LMM Criteria. Collection method: clinical testing. Allele origin: germline. Observed: 1 variant allele.
Comment: Variant classified as Uncertain Significance - Favor Benign. The p.Ile315Val var iant in NLRP3 has been reported (as p.Ile313Val) in 1 individual with CAPS, and segregated with disease in at least 3 affected family members (Cuisset 2011). It was also reported in one individual with mevalonate kinase deficiency who carri ed additional variants in the MKV gene that were sufficient to explain their phe notype (Rusmini 2016). This variant has also been identified in 0.05% (58/126272 ) of European chromosomes by the Genome Aggregation Database (gnomAD). Computational prediction tools and conservation analys is suggest that an isoleucine to valine change at position 315 may not impact th e protein, though this information is not predictive enough to rule out pathogen icity. On the other hand, additional computational tools suggest that this varia nt may create a novel splice site; however, this prediction may not reflect biol ogical function. In summary, while its frequency suggests that it is more likely to be benign, the clinical significance of the p.Ile315Val variant is uncertain due to the presence of conflicting data. ACMG/AMP Criteria applied: BS1, PP1.

Illumina Laboratory Services, Illumina
Classification: Benign for Chronic infantile neurological, cutaneous and articular syndrome. Last evaluated: 2017-04-28. Review status: criteria provided, single submitter. Criteria: ICSL Variant Classification Criteria 13 December 2019. Collection method: clinical testing. Allele origin: germline.
Comment: This variant was observed as part of a predisposition screen in an ostensibly healthy population. A literature search was performed for the gene, cDNA change, and amino acid change (where applicable). Publications were found based on this search. The evidence from the literature, in combination with allele frequency data from public databases where available, was sufficient to rule this variant out of causing disease. Therefore, this variant is classified as benign.

Illumina Laboratory Services, Illumina
Classification: Benign for Familial cold autoinflammatory syndrome 1. Last evaluated: 2017-04-28. Review status: criteria provided, single submitter. Criteria: ICSL Variant Classification Criteria 13 December 2019. Collection method: clinical testing. Allele origin: germline.
Comment: the same text as in the submission from Illumina Laboratory Services, Illumina above.

Illumina Laboratory Services, Illumina
Classification: Benign for Familial amyloid nephropathy with urticaria AND deafness. Last evaluated: 2017-04-28. Review status: criteria provided, single submitter. Criteria: ICSL Variant Classification Criteria 13 December 2019. Collection method: clinical testing. Allele origin: germline.
Comment: the same text as in the submission from Illumina Laboratory Services, Illumina above.

Diagnostic Laboratory, Department of Genetics, University Medical Center Groningen
Classification: Uncertain significance. Review status: no assertion criteria provided. Collection method: clinical testing. Allele origin: germline. Affected: yes. Study: VKGL Data-share Consensus. Not counted in ClinVar's aggregate classification.

Genome Diagnostics Laboratory, University Medical Center Utrecht
Classification: Uncertain significance. Review status: no assertion criteria provided. Collection method: clinical testing. Allele origin: germline. Affected: yes. Study: VKGL Data-share Consensus. Not counted in ClinVar's aggregate classification.

Unité médicale des maladies autoinflammatoires, CHRU Montpellier
No classification provided. Condition: Familial cold urticaria. Review status: no classification provided. Collection method: not provided. Allele origin: unknown. Not counted in ClinVar's aggregate classification.
Comment: also involved in OMIM 191900 and 607115

Literature cited by the submitters: PubMed 26386126 (cited by Laboratory for Molecular Medicine, Mass General Brigham Personalized Medicine); PubMed 21109514 (cited by Laboratory for Molecular Medicine, Mass General Brigham Personalized Medicine and Illumina Laboratory Services, Illumina).